The following is an entry in ClinVar:

ClinVar aggregate classification (germline): Pathogenic (1 of 4 stars; one submission).

Conditions:
Multiple acyl-CoA dehydrogenase deficiency (MADD). Also called: Glutaric aciduria, type 2; Glutaric Acidemia type 2; Glutaric acidemia type II; GA 2; ETHYLMALONIC-ADIPICACIDURIA; GA II. Identifiers: Orphanet 26791, MedGen C0268596, MONDO:0009282, OMIM 231680.

Submission:

Labcorp Genetics (formerly Invitae), Labcorp
Classification: Pathogenic for Multiple acyl-CoA dehydrogenase deficiency. Last evaluated: 2023-10-15. Review status: criteria provided, single submitter. Criteria: Invitae Variant Classification Sherloc (09022015). Collection method: clinical testing. Allele origin: germline.
Comment: This sequence change creates a premature translational stop signal (p.Gln265*) in the ETFA gene. It is expected to result in an absent or disrupted protein product. Loss-of-function variants in ETFA are known to be pathogenic (PMID: 16510302, 23785301). This variant is not present in population databases (gnomAD no frequency). This variant has not been reported in the literature in individuals affected with ETFA-related conditions. ClinVar contains an entry for this variant (Variation ID: 1069254). For these reasons, this variant has been classified as Pathogenic.

Literature cited by the submitters: PubMed 16510302; PubMed 23785301.

NM_000126.4(ETFA):c.793C>T (p.Gln265Ter)

Gene: ETFA (electron transfer flavoprotein subunit alpha; minus strand). Cytogenetic location: 15q24.2.
Variant type: single nucleotide variant.
Coding change: c.793C>T on transcript NM_000126.4 (MANE Select); coding-DNA position 793, C replaced by T.
Protein change: p.Gln265Ter; replaces glutamine 265 with a stop codon.
Molecular consequence: nonsense.
Genome position (GRCh38, 1-based): chr15:76,274,435, G>A on the plus strand (C>T on the coding strand, the complement: ETFA is on the minus strand). VCF-style: chr15-76274435-G-A. GRCh37 (hg19) VCF-style: chr15-76566776-G-A.
Other names: c.646C>T, p.Gln216Ter (NM_001127716.2); short protein forms Q216*, Q265*.
Identifiers: ClinVar variation 1069254 (VCV001069254.7), dbSNP rs757409121, ClinGen allele CA393510499.